The following is an entry in ClinVar:

ClinVar aggregate classification (germline): Uncertain significance. Review status: criteria provided, multiple submitters, no conflicts (2 of 4 stars). 2 submissions from 2 submitters: Uncertain significance (2). Last evaluated 2024-06-26.

Conditions:
Congenital primary aphakia. Also called: ANTERIOR SEGMENT DYSGENESIS 2; Anterior segment dysgenesis 2, multiple subtypes. Identifiers: Orphanet 83461, MedGen C1853230, MONDO:0012456, OMIM 610256.
Anterior segment dysgenesis. Also called: Ocular anterior segment dysgenesis. Identifiers: Orphanet 88632, MedGen C1862839, MONDO:0019503, HP:0007700.

Allele frequency attached by ClinVar (database versions not stated): gnomAD exomes below 0.00001.
gnomAD v4.1: 2 of 1,609,756 alleles (0.00012%); highest among the groups gnomAD compares: Non-Finnish European, 0.00017%; no homozygotes.

Submissions (2):

Labcorp Genetics (formerly Invitae), Labcorp
Classification: Uncertain significance for Anterior segment dysgenesis; Congenital primary aphakia. Last evaluated: 2024-06-26. Review status: criteria provided, single submitter. Criteria: Invitae Variant Classification Sherloc (09022015). Collection method: clinical testing. Allele origin: germline.
Comment: This sequence change replaces arginine, which is basic and polar, with cysteine, which is neutral and slightly polar, at codon 99 of the FOXE3 protein (p.Arg99Cys). This variant is present in population databases (no rsID available, gnomAD 0.0009%). This variant has not been reported in the literature in individuals affected with FOXE3-related conditions. ClinVar contains an entry for this variant (Variation ID: 285769). Advanced modeling of protein sequence and biophysical properties (such as structural, functional, and spatial information, amino acid conservation, physicochemical variation, residue mobility, and thermodynamic stability) has been performed at Invitae for this missense variant, however the output from this modeling did not meet the statistical confidence thresholds required to predict the impact of this variant on FOXE3 protein function. In summary, the available evidence is currently insufficient to determine the role of this variant in disease. Therefore, it has been classified as a Variant of Uncertain Significance.

Eurofins Ntd Llc (ga)
Classification: Uncertain significance. Last evaluated: 2017-09-21. Review status: criteria provided, single submitter. Criteria: EGL Classification Definitions 2015. Collection method: clinical testing. Allele origin: germline. Observed: 3 variant alleles, 3 heterozygotes.

NM_012186.3(FOXE3):c.295C>T (p.Arg99Cys)

Genes: FOXE3 (forkhead box E3; plus strand), LINC01389 (long independently transcribed non-coding RNA 1389; minus strand). Cytogenetic location: 1p33.
Variant type: single nucleotide variant.
Coding change: c.295C>T on transcript NM_012186.3 (MANE Select); coding-DNA position 295, C replaced by T.
Protein change: p.Arg99Cys; replaces arginine 99 with cysteine.
Molecular consequence: missense variant.
Genome position (GRCh38, 1-based): chr1:47,416,610, C>T. VCF-style: chr1-47416610-C-T. GRCh37 (hg19) VCF-style: chr1-47882282-C-T.
Other names: short protein forms R99C.
Identifiers: ClinVar variation 285769 (VCV000285769.7), dbSNP rs886043204, ClinGen allele CA10605236.